The following is an entry in ClinVar:

NM_182914.3(SYNE2):c.2492T>C (p.Ile831Thr)

Gene: SYNE2 (spectrin repeat containing nuclear envelope protein 2; plus strand). Cytogenetic location: 14q23.2.
Variant type: single nucleotide variant.
Coding change: c.2492T>C on transcript NM_182914.3 (MANE Select); coding-DNA position 2492, T replaced by C.
Protein change: p.Ile831Thr; replaces isoleucine 831 with threonine.
Molecular consequence: missense variant.
Genome position (GRCh38, 1-based): chr14:63,990,961, T>C. VCF-style: chr14-63990961-T-C. GRCh37 (hg19) VCF-style: chr14-64457679-T-C.
Other names: c.2492T>C (NM_182914.2); c.2492T>C, p.Ile831Thr (NM_015180.6); short protein forms I831T.
Identifiers: ClinVar variation 2188526 (VCV002188526.5), dbSNP rs937397649, ClinGen allele CA261838481.

ClinVar aggregate classification (germline): Uncertain significance. Review status: criteria provided, multiple submitters, no conflicts (2 of 4 stars). 2 submissions from 2 submitters: Uncertain significance (2). Last evaluated 2025-08-25.

Conditions:
Emery-Dreifuss muscular dystrophy 5, autosomal dominant (EDMD5). Also called: EMERY-DREIFUSS MUSCULAR DYSTROPHY 5. Identifiers: Orphanet 261, MedGen C2751805, MONDO:0013072, OMIM 612999.

Allele frequency attached by ClinVar (database versions not stated): gnomAD exomes 0.00001; TOPMed 0.00002; gnomAD 0.00003.
gnomAD v4.1: 14 of 1,614,016 alleles (0.00087%); highest among the groups gnomAD compares: Admixed American, 0.018%; no homozygotes.

Submissions (2):

Athena Diagnostics
Classification: Uncertain significance. Last evaluated: 2025-08-25. Review status: criteria provided, single submitter. Criteria: Athena Diagnostics Criteria. Collection method: clinical testing. Allele origin: unknown.
Comment: Available data are insufficient to determine the clinical significance of the variant at this time. The frequency of this variant in the general population is uninformative in assessment of its pathogenicity. Polyphen and MutationTaster predict this amino acid change may be benign.

Labcorp Genetics (formerly Invitae), Labcorp
Classification: Uncertain significance for Emery-Dreifuss muscular dystrophy 5, autosomal dominant. Last evaluated: 2024-11-04. Review status: criteria provided, single submitter. Criteria: Invitae Variant Classification Sherloc (09022015). Collection method: clinical testing. Allele origin: germline.
Comment: This sequence change replaces isoleucine, which is neutral and non-polar, with threonine, which is neutral and polar, at codon 831 of the SYNE2 protein (p.Ile831Thr). This variant is present in population databases (no rsID available, gnomAD 0.02%). This variant has not been reported in the literature in individuals affected with SYNE2-related conditions. ClinVar contains an entry for this variant (Variation ID: 2188526). An algorithm developed to predict the effect of missense changes on protein structure and function outputs the following: PolyPhen-2: "Benign". The threonine amino acid residue is found in multiple mammalian species, which suggests that this missense change does not adversely affect protein function. In summary, the available evidence is currently insufficient to determine the role of this variant in disease. Therefore, it has been classified as a Variant of Uncertain Significance.